The following is an entry in ClinVar:

NM_001845.6(COL4A1):c.1781C>T (p.Pro594Leu)

Gene: COL4A1 (collagen type IV alpha 1 chain; minus strand). Cytogenetic location: 13q34.
Variant type: single nucleotide variant.
Coding change: c.1781C>T on transcript NM_001845.6 (MANE Select); coding-DNA position 1781, C replaced by T.
Protein change: p.Pro594Leu; replaces proline 594 with leucine.
Molecular consequence: missense variant.
Genome position (GRCh38, 1-based): chr13:110,186,501, G>A on the plus strand (C>T on the coding strand, the complement: COL4A1 is on the minus strand). VCF-style: chr13-110186501-G-A. GRCh37 (hg19) VCF-style: chr13-110838848-G-A.
Other names: c.1781C>T (NM_001845.4); short protein forms P594L.
Identifiers: ClinVar variation 499571 (VCV000499571.7), dbSNP rs1555304117, ClinGen allele CA388722734.

ClinVar aggregate classification (germline): Uncertain significance. Review status: criteria provided, multiple submitters, no conflicts (2 of 4 stars). 3 submissions from 3 submitters: Uncertain significance (3). Last evaluated 2025-02-19.

Submissions (3):

Labcorp Genetics (formerly Invitae), Labcorp
Classification: Uncertain significance. Last evaluated: 2025-02-19. Review status: criteria provided, single submitter. Criteria: Invitae Variant Classification Sherloc (09022015). Collection method: clinical testing. Allele origin: germline.
Comment: This sequence change replaces proline, which is neutral and non-polar, with leucine, which is neutral and non-polar, at codon 594 of the COL4A1 protein (p.Pro594Leu). This variant is not present in population databases (gnomAD no frequency). This variant has not been reported in the literature in individuals affected with COL4A1-related conditions. ClinVar contains an entry for this variant (Variation ID: 499571). Invitae Evidence Modeling of protein sequence and biophysical properties (such as structural, functional, and spatial information, amino acid conservation, physicochemical variation, residue mobility, and thermodynamic stability) indicates that this missense variant is not expected to disrupt COL4A1 protein function with a negative predictive value of 95%. In summary, the available evidence is currently insufficient to determine the role of this variant in disease. Therefore, it has been classified as a Variant of Uncertain Significance.

GeneDx
Classification: Uncertain significance. Last evaluated: 2024-08-06. Review status: criteria provided, single submitter. Criteria: GeneDx Variant Classification Process June 2021. Collection method: clinical testing. Allele origin: germline. Affected: yes.
Comment: Has not been previously published as pathogenic or benign to our knowledge; Not observed at significant frequency in large population cohorts (gnomAD); In silico analysis supports that this missense variant has a deleterious effect on protein structure/function; Occurs in the triple helical domain at the Y position in the canonical Gly-X-Y repeat; although this variant may have an effect on normal protein folding and function, missense substitution at the Y position is not a common mechanism of disease

Eurofins Ntd Llc (ga)
Classification: Uncertain significance. Last evaluated: 2017-02-27. Review status: criteria provided, single submitter. Criteria: EGL Classification Definitions 2015. Collection method: clinical testing. Allele origin: germline. Observed: 1 variant allele, 1 heterozygote.